The following is an entry in ClinVar:

NM_001354930.2(RIPK1):c.1966T>C (p.Cys656Arg)

Gene: RIPK1 (receptor interacting serine/threonine kinase 1; plus strand). Cytogenetic location: 6p25.2.
Variant type: single nucleotide variant.
Coding change: c.1966T>C on transcript NM_001354930.2 (MANE Select); coding-DNA position 1966, T replaced by C.
Protein change: p.Cys656Arg; replaces cysteine 656 with arginine.
Molecular consequence: missense variant.
Genome position (GRCh38, 1-based): chr6:3,113,289, T>C. VCF-style: chr6-3113289-T-C. GRCh37 (hg19) VCF-style: chr6-3113523-T-C.
Other names: c.1477T>C, p.Cys493Arg (NM_001317061.3, NM_001354932.2, NM_001354933.2 and 1 more transcripts); c.1828T>C, p.Cys610Arg (NM_001354931.2); c.1966T>C, p.Cys656Arg (NM_003804.6); short protein forms C493R, C610R, C656R.
Identifiers: ClinVar variation 1806739 (VCV001806739.2), dbSNP rs2533402705, ClinGen allele CA362579489.

ClinVar aggregate classification (germline): Conflicting classifications of pathogenicity. Review status: criteria provided, conflicting classifications (1 of 4 stars). 2 submissions from 2 submitters: Likely pathogenic (1); Uncertain significance (1). Last evaluated 2024-07-05.

Conditions:
Immunodeficiency 57. Also called: IMMUNODEFICIENCY 57 WITH AUTOINFLAMMATION. Identifiers: MedGen C4748212, MONDO:0020849, OMIM 618108.

Submissions (2):

Aleixo Muise Laboratory, Hospital For Sick Children
Classification: Likely pathogenic for Immunodeficiency 57. Last evaluated: 2024-07-05. Review status: criteria provided, single submitter. Criteria: ACMG Guidelines, 2015. Collection method: research. Allele origin: germline. Affected: yes. Observed: 1 variant allele.
Comment: PM2;PM3;PM5;PP3;PP4

GeneDx
Classification: Uncertain significance. Last evaluated: 2022-06-20. Review status: criteria provided, single submitter. Criteria: GeneDx Variant Classification Process June 2021. Collection method: clinical testing. Allele origin: germline. Affected: yes.
Comment: Not observed at significant frequency in large population cohorts (gnomAD); In silico analysis supports that this missense variant has a deleterious effect on protein structure/function; Has not been previously published as pathogenic or benign to our knowledge